The following is an entry in ClinVar:

ClinVar aggregate classification (germline): Uncertain significance. Review status: criteria provided, multiple submitters, no conflicts (2 of 4 stars). 5 submissions from 5 submitters: Uncertain significance (5). Last evaluated 2026-01-22.

Conditions:
TRPV4-related disorder. Also called: TRPV4-related disorders; TRPV4-related condition.
Charcot-Marie-Tooth disease axonal type 2C (HMSN2C). Also called: CHARCOT-MARIE-TOOTH DISEASE, AXONAL, AUTOSOMAL DOMINANT, TYPE 2C; Charcot-Marie-Tooth Neuropathy Type 2C; Charcot-Marie-Tooth Disease Type 2, TRPV4-Related (CMT2C). Identifiers: Orphanet 99937, MedGen C1853710, MONDO:0011633, OMIM 606071.
Inborn genetic diseases. Identifiers: MedGen C0950123, MeSH D030342.

Allele frequency attached by ClinVar (database versions not stated): gnomAD exomes 0.00002; ExAC 0.00004; gnomAD 0.00004 and 0.00005; TOPMed 0.00005.
gnomAD v4.1: 63 of 1,610,298 alleles (0.0039%); highest among the groups gnomAD compares: Non-Finnish European, 0.0053%; no homozygotes.

Submissions (5):

PreventionGenetics, part of Exact Sciences
Classification: Uncertain significance for TRPV4-related condition. Last evaluated: 2026-01-22. Review status: criteria provided, single submitter. Criteria: ACMG Guidelines, 2015. Collection method: clinical testing. Allele origin: germline.
Comment: The TRPV4 c.1543G>T variant is predicted to result in the amino acid substitution p.Val515Phe. To our knowledge, this variant has not been reported in the literature. This variant is reported in 0.0040% of alleles in individuals of European (non-Finnish) descent in gnomAD. At this time, the clinical significance of this variant is uncertain due to the absence of conclusive functional and genetic evidence.

Labcorp Genetics (formerly Invitae), Labcorp
Classification: Uncertain significance for Charcot-Marie-Tooth disease axonal type 2C. Last evaluated: 2025-12-11. Review status: criteria provided, single submitter. Criteria: Invitae Variant Classification Sherloc (09022015). Collection method: clinical testing. Allele origin: germline.
Comment: This sequence change replaces valine, which is neutral and non-polar, with phenylalanine, which is neutral and non-polar, at codon 515 of the TRPV4 protein (p.Val515Phe). This variant is present in population databases (rs777901220, gnomAD 0.004%). This variant has not been reported in the literature in individuals affected with TRPV4-related conditions. ClinVar contains an entry for this variant (Variation ID: 657606). Invitae Evidence Modeling of protein sequence and biophysical properties (such as structural, functional, and spatial information, amino acid conservation, physicochemical variation, residue mobility, and thermodynamic stability) indicates that this missense variant is not expected to disrupt TRPV4 protein function with a negative predictive value of 95%. In summary, the available evidence is currently insufficient to determine the role of this variant in disease. Therefore, it has been classified as a Variant of Uncertain Significance.

Athena Diagnostics
Classification: Uncertain significance. Last evaluated: 2024-05-17. Review status: criteria provided, single submitter. Criteria: Athena Diagnostics Criteria. Collection method: clinical testing. Allele origin: unknown.
Comment: Available data are insufficient to determine the clinical significance of the variant at this time. The frequency of this variant in the general population is uninformative in assessment of its pathogenicity. Polyphen and MutationTaster yielded discordant predictions regarding whether this amino acid change is damaging to the protein.

GeneDx
Classification: Uncertain significance. Last evaluated: 2023-02-10. Review status: criteria provided, single submitter. Criteria: GeneDx Variant Classification Process June 2021. Collection method: clinical testing. Allele origin: germline. Affected: yes.
Comment: In silico analysis supports that this missense variant has a deleterious effect on protein structure/function; Has not been previously published as pathogenic or benign to our knowledge

Ambry Genetics
Classification: Uncertain significance for Inborn genetic diseases. Last evaluated: 2019-10-16. Review status: criteria provided, single submitter. Criteria: Ambry Variant Classification Scheme 2023. Collection method: clinical testing. Allele origin: germline.
Comment: The p.V515F variant (also known as c.1543G>T), located in coding exon 8 of the TRPV4 gene, results from a G to T substitution at nucleotide position 1543. The valine at codon 515 is replaced by phenylalanine, an amino acid with highly similar properties. This amino acid position is poorly conserved in available vertebrate species. In addition, the in silico prediction for this alteration is inconclusive. Since supporting evidence is limited at this time, the clinical significance of this alteration remains unclear.

NM_021625.5(TRPV4):c.1543G>T (p.Val515Phe)

Gene: TRPV4 (transient receptor potential cation channel subfamily V member 4; minus strand). Cytogenetic location: 12q24.11.
Variant type: single nucleotide variant.
Coding change: c.1543G>T on transcript NM_021625.5 (MANE Select); coding-DNA position 1543, G replaced by T.
Protein change: p.Val515Phe; replaces valine 515 with phenylalanine.
Molecular consequence: missense variant.
Genome position (GRCh38, 1-based): chr12:109,793,971, C>A on the plus strand (G>T on the coding strand, the complement: TRPV4 is on the minus strand). VCF-style: chr12-109793971-C-A. GRCh37 (hg19) VCF-style: chr12-110231776-C-A.
Other names: c.1363G>T, p.Val455Phe (NM_147204.3); c.1402G>T, p.Val468Phe (NM_001177428.2); c.1441G>T, p.Val481Phe (NM_001177431.2); c.1222G>T, p.Val408Phe (NM_001177433.2); short protein forms V481F, V468F, V515F, V408F, V455F.
Identifiers: ClinVar variation 657606 (VCV000657606.10), dbSNP rs777901220, ClinGen allele CA6780194.